The following is an entry in ClinVar:

NM_002334.4(LRP4):c.5357T>C (p.Met1786Thr)

Genes: LRP4 (LDL receptor related protein 4; minus strand), LRP4-AS1 (LRP4 antisense RNA 1; plus strand). Cytogenetic location: 11p11.2.
Variant type: single nucleotide variant.
Coding change: c.5357T>C on transcript NM_002334.4 (MANE Select); coding-DNA position 5357, T replaced by C.
Protein change: p.Met1786Thr; replaces methionine 1786 with threonine.
Molecular consequence: missense variant.
Genome position (GRCh38, 1-based): chr11:46,862,634, A>G on the plus strand (T>C on the coding strand, the complement: LRP4 is on the minus strand). VCF-style: chr11-46862634-A-G. GRCh37 (hg19) VCF-style: chr11-46884185-A-G.
Other names: short protein forms M1786T.
Identifiers: ClinVar variation 2051385 (VCV002051385.1), dbSNP rs61748876, ClinGen allele CA5969059.

ClinVar aggregate classification (germline): Uncertain significance (1 of 4 stars; one submission).

Conditions:
Sclerosteosis 2 (SOST2). Identifiers: Orphanet 3152, MedGen C3280402, MONDO:0013679, OMIM 614305.
Cenani-Lenz syndactyly syndrome. Also called: SYNDACTYLY, TYPE VII; CENANI SYNDACTYLISM. Identifiers: Orphanet 3258, MedGen C1859309, MONDO:0008931, OMIM 212780.
Congenital myasthenic syndrome 17. Identifiers: Orphanet 590, MedGen C4225377, MONDO:0014578, OMIM 616304.

Submission:

Labcorp Genetics (formerly Invitae), Labcorp
Classification: Uncertain significance for Cenani-Lenz syndactyly syndrome; Sclerosteosis 2; Congenital myasthenic syndrome 17. Last evaluated: 2022-07-25. Review status: criteria provided, single submitter. Criteria: Invitae Variant Classification Sherloc (09022015). Collection method: clinical testing. Allele origin: germline.
Comment: This sequence change replaces methionine, which is neutral and non-polar, with threonine, which is neutral and polar, at codon 1786 of the LRP4 protein (p.Met1786Thr). This variant is present in population databases (rs61748876, gnomAD 0.006%). This variant has not been reported in the literature in individuals affected with LRP4-related conditions. Algorithms developed to predict the effect of missense changes on protein structure and function are either unavailable or do not agree on the potential impact of this missense change (SIFT: "Deleterious"; PolyPhen-2: "Benign"; Align-GVGD: "Class C0"). In summary, the available evidence is currently insufficient to determine the role of this variant in disease. Therefore, it has been classified as a Variant of Uncertain Significance.